The following is an entry in ClinVar:

NM_000152.5(GAA):c.-32-462G>A

Gene: GAA (alpha glucosidase; plus strand). Cytogenetic location: 17q25.3.
Variant type: single nucleotide variant.
Coding change: c.-32-462G>A on transcript NM_000152.5 (MANE Select); 462 bases into the intron before 32 bases upstream of the start codon, G replaced by A.
Molecular consequence: intron variant.
Genome position (GRCh38, 1-based): chr17:80,104,093, G>A. VCF-style: chr17-80104093-G-A. GRCh37 (hg19) VCF-style: chr17-78077892-G-A.
Other names: c.-32-462G>A (NM_001406741.1, NM_001406742.1, NM_001079803.3 and 1 more transcripts).
Identifiers: ClinVar variation 4876388 (VCV004876388.1).
Genomic context (GRCh38, chr17:80,104,093, plus strand): 5'-GGGGGTGGATCACTTGAGCTCAGGAGTTCGAGACCAGCCTGGGTAACATGGCAAAATCCC[G>A]TCTCTACAAAAATACAGAAAATTAGCTGGGTGCGGTGGTGTGTGCCTACAGTCCCAGCTA-3'

ClinVar aggregate classification (germline): Benign (1 of 4 stars; one submission).

Conditions:
Glycogen storage disease, type II (IOPD). Also called: Pompe Disease; CARDIOMEGALIA GLYCOGENICA DIFFUSA; GLYCOGENOSIS, GENERALIZED, CARDIAC FORM; GSD II; POMPE DISEASE, INFANTILE-ONSET; GLYCOGEN STORAGE DISEASE II, INFANTILE-ONSET. Identifiers: Orphanet 365, MedGen C0017921, MONDO:0009290, OMIM 232300.

Submission:

Genomenon, Inc
Classification: Benign for Glycogen storage disease, type II. Last evaluated: 2026-07-01. Review status: criteria provided, single submitter. Criteria: Genomenon Sequence Variant Interpretation Standards - Updated. Collection method: curation. Allele origin: germline. Affected: no.
Comment: GAA c.-32-462G>A is an intronic variant located in the 5′ untranslated region (5′ UTR). This variant is present at high allele frequency in population databases. We classify GAA c.-32-462G>A as a benign variant.